The following is an entry in ClinVar:

ClinVar aggregate classification (germline): Pathogenic (1 of 4 stars; one submission).

Submission:

GeneDx
Classification: Pathogenic. Last evaluated: 2016-06-27. Review status: criteria provided, single submitter. Criteria: GeneDx Variant Classification (06012015). Collection method: clinical testing. Allele origin: germline. Affected: yes.
Comment: The W483X nonsense variant in the CYBB gene has been reported previously in association with X-linked chronic granulomatous disease (Heyworth et al., 2001; Rawat et al., 2014). This pathogenic variant is predicted to cause loss of normal protein function either through protein truncation or nonsense-mediated mRNA decay. The variant was not observed in approximately 6,500 individuals of European and African American ancestry in the NHLBI Exome Sequencing Project, indicating it is not a common benign variant in these populations. Therefore, we consider this variant to be pathogenic.

NM_000397.4(CYBB):c.1449G>A (p.Trp483Ter)

Gene: CYBB (cytochrome b-245 beta chain; plus strand). Cytogenetic location: Xp11.4.
Variant type: single nucleotide variant.
Coding change: c.1449G>A on transcript NM_000397.4 (MANE Select); coding-DNA position 1449, G replaced by A.
Protein change: p.Trp483Ter; replaces tryptophan 483 with a stop codon.
Molecular consequence: nonsense.
Genome position (GRCh38, 1-based): chrX:37,806,521, G>A. VCF-style: chrX-37806521-G-A. GRCh37 (hg19) VCF-style: chrX-37665774-G-A.
Other names: short protein forms W483*.
Identifiers: ClinVar variation 265093 (VCV000265093.2), dbSNP rs886039338, ClinGen allele CA10588778.